The following is an entry in ClinVar:

ClinVar aggregate classification (germline): Likely benign. Review status: criteria provided, multiple submitters, no conflicts (2 of 4 stars). 3 submissions from 3 submitters: Likely benign (2). 1 of the submissions does not count toward it. Last evaluated 2024-12-23.

Conditions:
OCRL-related disorder. Also called: OCRL-related condition.
Lowe syndrome (OCRL). Also called: LOWE OCULOCEREBRORENAL SYNDROME; Oculocerebrorenal Syndrome; PHOSPHATIDYLINOSITOL 4,5-BISPHOSPHATE 5-PHOSPHATASE DEFICIENCY. Identifiers: Orphanet 534, MedGen C0028860, MONDO:0010645, OMIM 309000.

Allele frequency attached by ClinVar (database versions not stated): gnomAD exomes 0.00003 and 0.00004; gnomAD 0.00005 and 0.00007; TOPMed 0.00006.
gnomAD v4.1: 41 of 1,147,345 alleles (0.0036%); highest among the groups gnomAD compares: Middle Eastern, 0.065%; 1 homozygote.

Submissions (3):

Labcorp Genetics (formerly Invitae), Labcorp
Classification: Likely benign for Lowe syndrome. Last evaluated: 2024-12-23. Review status: criteria provided, single submitter. Criteria: Invitae Variant Classification Sherloc (09022015). Collection method: clinical testing. Allele origin: germline.

Blueprint Genetics
Classification: Likely benign. Last evaluated: 2024-08-28. Review status: criteria provided, single submitter. Criteria: ACMG Guidelines, 2015. Collection method: clinical testing. Allele origin: germline.

PreventionGenetics, part of Exact Sciences
Classification: Likely benign for OCRL-related condition. Last evaluated: 2019-03-06. Review status: no assertion criteria provided. Collection method: clinical testing. Allele origin: germline. Not counted in ClinVar's aggregate classification.
Comment: This variant is classified as likely benign based on ACMG/AMP sequence variant interpretation guidelines (Richards et al. 2015 PMID: 25741868, with internal and published modifications).

NM_000276.4(OCRL):c.39+8C>T

Gene: OCRL (OCRL inositol polyphosphate-5-phosphatase; plus strand). Cytogenetic location: Xq26.1.
Variant type: single nucleotide variant.
Coding change: c.39+8C>T on transcript NM_000276.4 (MANE Select); 8 bases into the intron after coding-DNA position 39, C replaced by T.
Molecular consequence: intron variant.
Genome position (GRCh38, 1-based): chrX:129,540,486, C>T. VCF-style: chrX-129540486-C-T. GRCh37 (hg19) VCF-style: chrX-128674463-C-T.
Other names: c.39+8C>T (NM_000276.3, NM_001318784.2, NM_001587.4).
Identifiers: ClinVar variation 1669311 (VCV001669311.11), dbSNP rs1051771435, ClinGen allele CA335075273.